The following is an entry in ClinVar:

NM_004318.4(ASPH):c.1892G>A (p.Trp631Ter)

Gene: ASPH (aspartate beta-hydroxylase; minus strand). Cytogenetic location: 8q12.3.
Variant type: single nucleotide variant.
Coding change: c.1892G>A on transcript NM_004318.4 (MANE Select); coding-DNA position 1892, G replaced by A.
Protein change: p.Trp631Ter; replaces tryptophan 631 with a stop codon.
Molecular consequence: nonsense.
Genome position (GRCh38, 1-based): chr8:61,525,985, C>T on the plus strand (G>A on the coding strand, the complement: ASPH is on the minus strand). VCF-style: chr8-61525985-C-T. GRCh37 (hg19) VCF-style: chr8-62438544-C-T.
Other names: c.1805G>A, p.Trp602Ter (NM_001164750.2, NM_001413864.1, NM_001413865.1 and 1 more transcripts); c.1892G>A, p.Trp631Ter (NM_001413844.1, NM_001413849.1, NM_001413891.1); c.1937G>A, p.Trp646Ter (NM_001413845.1); c.1934G>A, p.Trp645Ter (NM_001413846.1); c.1835G>A, p.Trp612Ter (NM_001413847.1, NM_001413860.1, NM_001413896.1); c.1895G>A, p.Trp632Ter (NM_001413848.1); c.1889G>A, p.Trp630Ter (NM_001413850.1, NM_001413851.1, NM_001413893.1); c.1880G>A, p.Trp627Ter (NM_001413852.1); and 33 more; short protein forms W427*, W550*, W563*, W573*, W598*, W602*, W615*, W616*.
Identifiers: ClinVar variation 1915255 (VCV001915255.5), dbSNP rs775890030, ClinGen allele CA4761584.

ClinVar aggregate classification (germline): Pathogenic (1 of 4 stars; one submission).

Allele frequency attached by ClinVar (database versions not stated): gnomAD exomes 0.00001; ExAC 0.00002; TOPMed 0.00002.
gnomAD v4.1: 4 of 1,613,834 alleles (0.00025%); highest among the groups gnomAD compares: Admixed American, 0.005%; no homozygotes.

Submission:

Labcorp Genetics (formerly Invitae), Labcorp
Classification: Pathogenic. Last evaluated: 2022-09-21. Review status: criteria provided, single submitter. Criteria: Invitae Variant Classification Sherloc (09022015). Collection method: clinical testing. Allele origin: germline.
Comment: For these reasons, this variant has been classified as Pathogenic. This premature translational stop signal has been observed in individual(s) with clinical features of autosomal recessive Traboulsi syndrome (Invitae). This variant is present in population databases (rs775890030, gnomAD 0.009%). This sequence change creates a premature translational stop signal (p.Trp631*) in the ASPH gene. It is expected to result in an absent or disrupted protein product. Loss-of-function variants in ASPH are known to be pathogenic (PMID: 24768550, 30194805, 30600741, 31012784).

Literature cited by the submitters: PubMed 24768550; PubMed 30194805; PubMed 30600741; PubMed 31012784.